The following is an entry in ClinVar:

ClinVar aggregate classification (germline): Uncertain significance. Review status: criteria provided, multiple submitters, no conflicts (2 of 4 stars). 2 submissions from 2 submitters: Uncertain significance (2). Last evaluated 2024-10-08.

Conditions:
Cardiovascular phenotype. Identifiers: MedGen CN230736.
Long QT syndrome (LQTS). Identifiers: MedGen C0023976, MeSH D008133, MONDO:0002442. Disease mechanism: loss of function. Inheritance: Various modes of inheritance.

Allele frequency attached by ClinVar (database versions not stated): gnomAD exomes 0.00001 and 0.00002; TOPMed 0.00001; ExAC 0.00003.
gnomAD v4.1: 11 of 1,613,260 alleles (0.00068%); highest among the groups gnomAD compares: Admixed American, 0.0067%; no homozygotes.

Submissions (2):

Ambry Genetics
Classification: Uncertain significance for Cardiovascular phenotype. Last evaluated: 2024-10-08. Review status: criteria provided, single submitter. Criteria: Ambry Variant Classification Scheme 2023. Collection method: clinical testing. Allele origin: germline.
Comment: The p.V610M variant (also known as c.1828G>A), located in coding exon 8 of the AKAP9 gene, results from a G to A substitution at nucleotide position 1828. The valine at codon 610 is replaced by methionine, an amino acid with highly similar properties. This amino acid position is conserved. In addition, this alteration is predicted to be tolerated by in silico analysis. Based on the available evidence, the clinical significance of this variant remains unclear.

Labcorp Genetics (formerly Invitae), Labcorp
Classification: Uncertain significance for Long QT syndrome. Last evaluated: 2022-02-07. Review status: criteria provided, single submitter. Criteria: Invitae Variant Classification Sherloc (09022015). Collection method: clinical testing. Allele origin: germline.
Comment: This sequence change replaces valine, which is neutral and non-polar, with methionine, which is neutral and non-polar, at codon 610 of the AKAP9 protein (p.Val610Met). This variant is present in population databases (rs768686908, gnomAD 0.01%). This variant has not been reported in the literature in individuals affected with AKAP9-related conditions. Algorithms developed to predict the effect of missense changes on protein structure and function are either unavailable or do not agree on the potential impact of this missense change (SIFT: "Deleterious"; PolyPhen-2: "Probably Damaging"; Align-GVGD: "Class C0"). In summary, the available evidence is currently insufficient to determine the role of this variant in disease. Therefore, it has been classified as a Variant of Uncertain Significance.

NM_005751.5(AKAP9):c.1828G>A (p.Val610Met)

Gene: AKAP9 (A-kinase anchoring protein 9; plus strand). Cytogenetic location: 7q21.2.
Variant type: single nucleotide variant.
Coding change: c.1828G>A on transcript NM_005751.5 (MANE Select); coding-DNA position 1828, G replaced by A.
Protein change: p.Val610Met; replaces valine 610 with methionine.
Molecular consequence: missense variant.
Genome position (GRCh38, 1-based): chr7:92,001,745, G>A. VCF-style: chr7-92001745-G-A. GRCh37 (hg19) VCF-style: chr7-91631059-G-A.
Other names: c.1828G>A (NM_005751.4); c.1828G>A, p.Val610Met (NM_147185.3); short protein forms V610M.
Identifiers: ClinVar variation 1414462 (VCV001414462.9), dbSNP rs768686908, ClinGen allele CA4336060.